The following is an entry in ClinVar:

NM_001378615.1(CC2D2A):c.3175G>A (p.Ala1059Thr)

Genes: CC2D2A (coiled-coil and C2 domain containing 2A; plus strand), FBXL5 (F-box and leucine rich repeat protein 5; minus strand). Cytogenetic location: 4p15.32.
Variant type: single nucleotide variant.
Coding change: c.3175G>A on transcript NM_001378615.1 (MANE Select); coding-DNA position 3175, G replaced by A.
Protein change: p.Ala1059Thr; replaces alanine 1059 with threonine.
Molecular consequence: missense variant.
Genome position (GRCh38, 1-based): chr4:15,563,515, G>A. VCF-style: chr4-15563515-G-A. GRCh37 (hg19) VCF-style: chr4-15565138-G-A.
Other names: c.3175G>A, p.Ala1059Thr (NM_001080522.2); c.3028G>A, p.Ala1010Thr (NM_001378617.1); short protein forms A1010T, A1059T.
Identifiers: ClinVar variation 3754176 (VCV003754176.2).
Genomic context (GRCh38, chr4:15,563,515, plus strand): 5'-GGAGACATAAAGCTGCTGGTGAACATTGTGCGAGCTTACGACATTCCAGTGAGGAAGCCG[G>A]CAGTGAGGTGAGAGCCCTCCCAACAGCCCGAGATGCAGTGTGCAGCATCCCAGCCAAGTC-3'
Protein context (NP_001365544.1, residues 1049-1069): RAYDIPVRKP[Ala1059Thr]VSKFQQPSRS

ClinVar aggregate classification (germline): Uncertain significance (1 of 4 stars; one submission).

Conditions:
Joubert syndrome. Also called: JOUBERT-BOLTSHAUSER SYNDROME; Familial aplasia of the vermis. Identifiers: Orphanet 475, MedGen C5979921, MONDO:0018772.
Meckel-Gruber syndrome. Also called: DYSENCEPHALIA SPLANCHNOCYSTICA; GRUBER SYNDROME; Dysencephalia splachnocystica. Identifiers: Orphanet 564, MedGen C0265215, MONDO:0018921.

Submission:

Labcorp Genetics (formerly Invitae), Labcorp
Classification: Uncertain significance for Joubert syndrome; Meckel-Gruber syndrome. Last evaluated: 2024-09-21. Review status: criteria provided, single submitter. Criteria: Invitae Variant Classification Sherloc (09022015). Collection method: clinical testing. Allele origin: germline.
Comment: This sequence change replaces alanine, which is neutral and non-polar, with threonine, which is neutral and polar, at codon 1059 of the CC2D2A protein (p.Ala1059Thr). This variant is not present in population databases (gnomAD no frequency). This variant has not been reported in the literature in individuals affected with CC2D2A-related conditions. Invitae Evidence Modeling of protein sequence and biophysical properties (such as structural, functional, and spatial information, amino acid conservation, physicochemical variation, residue mobility, and thermodynamic stability) indicates that this missense variant is not expected to disrupt CC2D2A protein function with a negative predictive value of 95%. In summary, the available evidence is currently insufficient to determine the role of this variant in disease. Therefore, it has been classified as a Variant of Uncertain Significance.